The following is an entry in ClinVar:

NM_001376.5(DYNC1H1):c.10575T>C (p.Arg3525=)

Gene: DYNC1H1 (dynein cytoplasmic 1 heavy chain 1; plus strand). Cytogenetic location: 14q32.31.
Variant type: single nucleotide variant.
Coding change: c.10575T>C on transcript NM_001376.5 (MANE Select); coding-DNA position 10575, T replaced by C.
Protein change: p.Arg3525=; no amino-acid change (arginine 3525 retained).
Molecular consequence: synonymous variant.
Genome position (GRCh38, 1-based): chr14:102,034,137, T>C. VCF-style: chr14-102034137-T-C. GRCh37 (hg19) VCF-style: chr14-102500474-T-C.
Other names: p.Arg3525=.
Identifiers: ClinVar variation 312646 (VCV000312646.13), dbSNP rs763119040, ClinGen allele CA7353429.

ClinVar aggregate classification (germline): Conflicting classifications of pathogenicity. Review status: criteria provided, conflicting classifications (1 of 4 stars). 6 submissions from 5 submitters: Uncertain significance (2); Likely benign (4). Last evaluated 2025-12-14.

Conditions:
Charcot-Marie-Tooth disease axonal type 2O. Also called: Charcot-Marie-Tooth Neuropathy Type 2O; CHARCOT-MARIE-TOOTH NEUROPATHY, AXONAL, TYPE 2O; CHARCOT-MARIE-TOOTH DISEASE, AXONAL, AUTOSOMAL DOMINANT, TYPE 2O; Charcot-Marie-Tooth disease, axonal, type 20. Identifiers: Orphanet 284232, MedGen C3280220, MONDO:0013644, OMIM 614228.
DYNC1H1-related disorder. Also called: DYNC1H1-related disorders; DYNC1H1-related condition. Identifiers: MedGen CN381529.
Autosomal dominant cerebellar ataxia. Also called: Spinocerebellar Ataxia, Dominant. Identifiers: Orphanet 99, MedGen C4087347, MONDO:0020380.

Allele frequency attached by ClinVar (database versions not stated): ExAC 0.00001; gnomAD exomes 0.00001 and 0.00002; TOPMed 0.00002.
gnomAD v4.1: 3 of 1,614,138 alleles (0.00019%); highest among the groups gnomAD compares: Admixed American, 0.005%; no homozygotes.

Submissions (6):

Mayo Clinic Laboratories, Mayo Clinic
Classification: Likely benign. Last evaluated: 2025-12-14. Review status: criteria provided, single submitter. Criteria: ACMG Guidelines, 2015. Collection method: clinical testing. Allele origin: germline. Observed: 1 variant allele.
Comment: BP4, BP7

Labcorp Genetics (formerly Invitae), Labcorp
Classification: Likely benign for Charcot-Marie-Tooth disease axonal type 2O. Last evaluated: 2025-11-17. Review status: criteria provided, single submitter. Criteria: Invitae Variant Classification Sherloc (09022015). Collection method: clinical testing. Allele origin: germline.

PreventionGenetics, part of Exact Sciences
Classification: Likely benign for DYNC1H1-related condition. Last evaluated: 2025-08-26. Review status: criteria provided, single submitter. Criteria: ACMG Guidelines, 2015. Collection method: clinical testing. Allele origin: germline.
Comment: This variant is classified as likely benign based on ACMG/AMP sequence variant interpretation guidelines (Richards et al. 2015 PMID: 25741868, with internal and published modifications).

GeneDx
Classification: Likely benign. Last evaluated: 2020-09-29. Review status: criteria provided, single submitter. Criteria: GeneDx Variant Classification Process June 2021. Collection method: clinical testing. Allele origin: germline. Affected: yes.

Illumina Laboratory Services, Illumina
Classification: Uncertain significance for Charcot-Marie-Tooth disease axonal type 2O. Last evaluated: 2018-01-12. Review status: criteria provided, single submitter. Criteria: ICSL Variant Classification Criteria 13 December 2019. Collection method: clinical testing. Allele origin: germline.

Illumina Laboratory Services, Illumina
Classification: Uncertain significance for Spinocerebellar Ataxia, Dominant. Last evaluated: 2018-01-12. Review status: criteria provided, single submitter. Criteria: ICSL Variant Classification Criteria 13 December 2019. Collection method: clinical testing. Allele origin: germline.